The following is an entry in ClinVar:

NM_000191.3(HMGCL):c.899T>C (p.Leu300Pro)

Gene: HMGCL (3-hydroxy-3-methylglutaryl-CoA lyase; minus strand). Cytogenetic location: 1p36.11.
Variant type: single nucleotide variant.
Coding change: c.899T>C on transcript NM_000191.3 (MANE Select); coding-DNA position 899, T replaced by C.
Protein change: p.Leu300Pro; replaces leucine 300 with proline.
Molecular consequence: missense variant.
Genome position (GRCh38, 1-based): chr1:23,802,542, A>G on the plus strand (T>C on the coding strand, the complement: HMGCL is on the minus strand). VCF-style: chr1-23802542-A-G. GRCh37 (hg19) VCF-style: chr1-24129032-A-G.
Other names: c.686T>C, p.Leu229Pro (NM_001166059.2); short protein forms L300P, L229P.
Identifiers: ClinVar variation 1375793 (VCV001375793.28), dbSNP rs2148415814, ClinGen allele CA339019945.

ClinVar aggregate classification (germline): Uncertain significance. Review status: criteria provided, multiple submitters, no conflicts (2 of 4 stars). 2 submissions from 2 submitters: Uncertain significance (2). Last evaluated 2024-01-01.

Conditions:
Deficiency of hydroxymethylglutaryl-CoA lyase (HMGCLD). Also called: HMG-CoA LYASE DEFICIENCY; HMGCL DEFICIENCY; HYDROXYMETHYLGLUTARIC ACIDURIA; Defect in leucine metabolism; 3-hydroxy-3-methylglutaric aciduria. Identifiers: Orphanet 20, MedGen C1533587, MONDO:0009520, OMIM 246450.

Submissions (2):

CeGaT Center for Human Genetics Tuebingen
Classification: Uncertain significance. Last evaluated: 2024-01-01. Review status: criteria provided, single submitter. Criteria: CeGaT Center For Human Genetics Tuebingen Variant Classification Criteria Version 2. Collection method: clinical testing. Allele origin: germline. Affected: yes. Observed: 1 variant allele.
Comment: HMGCL: PM2, PM3:Supporting, PP4, BP4

Labcorp Genetics (formerly Invitae), Labcorp
Classification: Uncertain significance for Deficiency of hydroxymethylglutaryl-CoA lyase. Last evaluated: 2022-10-17. Review status: criteria provided, single submitter. Criteria: Invitae Variant Classification Sherloc (09022015). Collection method: clinical testing. Allele origin: germline.
Comment: This sequence change replaces leucine, which is neutral and non-polar, with proline, which is neutral and non-polar, at codon 300 of the HMGCL protein (p.Leu300Pro). This variant is not present in population databases (gnomAD no frequency). This variant has not been reported in the literature in individuals affected with HMGCL-related conditions. ClinVar contains an entry for this variant (Variation ID: 1375793). Advanced modeling of protein sequence and biophysical properties (such as structural, functional, and spatial information, amino acid conservation, physicochemical variation, residue mobility, and thermodynamic stability) performed at Invitae indicates that this missense variant is not expected to disrupt HMGCL protein function. In summary, the available evidence is currently insufficient to determine the role of this variant in disease. Therefore, it has been classified as a Variant of Uncertain Significance.